The following is an entry in ClinVar:

NM_000044.6(AR):c.171GCA[32] (p.Gln72_Gln80dup)

Genes: AR (androgen receptor; plus strand), LOC109504725 (androgen receptor repeat instability region; plus strand). Cytogenetic location: Xq12.
Variant type: Microsatellite.
Coding change: c.171GCA[32] on transcript NM_000044.6 (MANE Select); 32 copies in a row of the 3-base unit GCA starting at c.171; the reference has 23 copies in a row; nine copies, 27 bases duplicated; also written c.213_239dup.
Protein change: p.Gln72_Gln80dup.
Molecular consequence: inframe insertion. On other transcripts: 5 prime UTR variant (1).
Genome position (GRCh38, 1-based): chrX:67,545,359-67,545,385, GCAGCAGCAGCAGCAGCAGCAGCAGCA duplicated; duplicating any 27 consecutive bases within chrX:67,545,317-67,545,385 gives the same sequence; the position shown is the placement nearest the transcript's 3' end. VCF-style (leftmost placement, unchanged base first): chrX-67545316-T-TGCAGCAGCAGCAGCAGCAGCAGCAGCA. GRCh37 (hg19) VCF-style: chrX-66765158-T-TGCAGCAGCAGCAGCAGCAGCAGCAGCA.
Other names: c.213_239dup (NM_000044.6, NM_000044.3); c.213_239dupGCAGCAGCAGCAGCAGCAGCAGCAGCA (NM_000044.2); c.-1613GCA[32] (NM_001011645.3); c.171GCA[32], p.Gln72_Gln80dup (NM_001348061.1, NM_001348063.1, NM_001348064.1).
Identifiers: ClinVar variation 422605 (VCV000422605.18), dbSNP rs3032358, ClinGen allele CA16621462.

ClinVar aggregate classification (germline): Benign/Likely benign. Review status: criteria provided, multiple submitters, no conflicts (2 of 4 stars). 5 submissions from 5 submitters: Benign (1); Likely benign (4). Last evaluated 2026-01-28.

Conditions:
Partial androgen insensitivity syndrome (PAIS). Also called: Reifenstein syndrome; ANDROGEN INSENSITIVITY, PARTIAL, WITH OR WITHOUT BREAST CANCER; Pseudohermaphroditism, Incomplete male, type I; Reifenstein syndrome, partial; Androgen resistance syndrome, partial; Type I familial incomplete male pseudohermaphroditism. Identifiers: Orphanet 90797, MedGen C0268301, MONDO:0010720, OMIM 312300.
Kennedy disease (SMAX1). Also called: SPINAL AND BULBAR MUSCULAR ATROPHY, X-LINKED 1; KENNEDY SPINAL AND BULBAR MUSCULAR ATROPHY; Spinal and Bulbar Muscular Atrophy. Identifiers: Orphanet 481, MedGen C1839259, MONDO:0010735, OMIM 313200.
Prostate cancer. Also called: Malignant tumor of prostate. Identifiers: Orphanet 1331, MedGen C0376358, MONDO:0008315, HP:0012125.
Androgen resistance syndrome (AIS). Also called: Androgen insensitivity; ANDROGEN RECEPTOR DEFICIENCY; DIHYDROTESTOSTERONE RECEPTOR DEFICIENCY; TESTICULAR FEMINIZATION SYNDROME; Androgen insensitivity, complete; Androgen insensitivity syndrome due to coactivator deficiency. Identifiers: Orphanet 754, Orphanet 99429, MedGen C0039585, MONDO:0019154, OMIM 300068. Disease mechanism: loss of function.
Hypospadias 1, X-linked (HYSP1). Identifiers: Orphanet 440, MedGen C2678098, MONDO:0010384, OMIM 300633.
Inborn genetic diseases. Identifiers: MedGen C0950123, MeSH D030342.

Submissions (5):

Labcorp Genetics (formerly Invitae), Labcorp
Classification: Benign for Kennedy disease; Androgen resistance syndrome. Last evaluated: 2026-01-28. Review status: criteria provided, single submitter. Criteria: Invitae Variant Classification Sherloc (09022015). Collection method: clinical testing. Allele origin: germline.

Blueprint Genetics
Classification: Likely benign. Last evaluated: 2024-11-28. Review status: criteria provided, single submitter. Criteria: ACMG Guidelines, 2015. Collection method: clinical testing. Allele origin: germline.

Ambry Genetics
Classification: Likely benign for Inborn genetic diseases. Last evaluated: 2024-04-05. Review status: criteria provided, single submitter. Criteria: Ambry Variant Classification Scheme 2023. Collection method: clinical testing. Allele origin: germline.

Fulgent Genetics
Classification: Likely benign for Familial prostate cancer; Androgen resistance syndrome; Hypospadias 1, X-linked; Partial androgen insensitivity syndrome; Kennedy disease. Last evaluated: 2022-01-06. Review status: criteria provided, single submitter. Criteria: ACMG Guidelines, 2015. Collection method: clinical testing. Allele origin: unknown.

GeneDx
Classification: Likely benign. Last evaluated: 2021-02-12. Review status: criteria provided, single submitter. Criteria: GeneDx Variant Classification Process June 2021. Collection method: clinical testing. Allele origin: germline. Affected: yes.
Comment: This variant is associated with the following publications: (PMID: 2062380)